The following is an entry in ClinVar:

ClinVar aggregate classification (germline): Pathogenic (1 of 4 stars; one submission).

Conditions:
GM1 gangliosidosis. Identifiers: Orphanet 354, MedGen C0085131, MONDO:0018149.
Mucopolysaccharidosis, MPS-IV-B (MPS4B). Also called: MORQUIO SYNDROME B; Mucopolysaccharidosis type IV B; Mucopolysaccharidosis Type IVB; Mucopolysaccharidosis type 4B; Mucopolysaccharidosis type IVB (Morquio); MPS IVB. Identifiers: Orphanet 309310, Orphanet 582, MedGen C0086652, MONDO:0009660, OMIM 253010.

Submission:

Labcorp Genetics (formerly Invitae), Labcorp
Classification: Pathogenic for Mucopolysaccharidosis, MPS-IV-B; GM1 gangliosidosis. Last evaluated: 2023-11-02. Review status: criteria provided, single submitter. Criteria: Invitae Variant Classification Sherloc (09022015). Collection method: clinical testing. Allele origin: unknown.
Comment: This variant is a gross deletion of the genomic region encompassing exon(s) 7 of the GLB1 gene. This deletion is out-of-frame, and is expected to create a premature termination codon and result in an absent or disrupted protein product. Loss-of-function variants in GLB1 are known to be pathogenic (PMID: 18524657). This variant has not been reported in the literature in individuals affected with GLB1-related conditions. For these reasons, this variant has been classified as Pathogenic.

Literature cited by the submitters: PubMed 18524657.

NC_000003.11:g.(?_33094963)_(33095061_?)del

Gene: GLB1 (galactosidase beta 1; minus strand). Cytogenetic location: 3p22.3.
Variant type: Deletion.
Identifiers: ClinVar variation 3246845 (VCV003246845.1).